The following is an entry in ClinVar:

NM_001370259.2(MEN1):c.584_593del (p.Glu195fs)

Gene: MEN1 (menin 1; minus strand). Cytogenetic location: 11q13.1.
Variant type: Deletion.
Coding change: c.584_593del on transcript NM_001370259.2 (MANE Select); coding-DNA positions 584 to 593, 10 bases deleted (AGGTCACCTG; older notation c.584_593delAGGTCACCTG).
Protein change: p.Glu195fs; shifts the reading frame from glutamic acid 195.
Molecular consequence: frameshift variant. On other transcripts: intron variant (2).
Genome position (GRCh38, 1-based): chr11:64,807,952-64,807,961, CAGGTGACCT deleted on the plus strand (AGGTCACCTG on the coding strand, the reverse complement: MEN1 is on the minus strand); deleting any 10 consecutive bases within chr11:64,807,952-64,807,964 gives the same sequence; the c. name uses the placement nearest the transcript's 3' end. VCF-style (leftmost placement, unchanged base first): chr11-64807951-CCAGGTGACCT-C. GRCh37 (hg19) VCF-style: chr11-64575423-CCAGGTGACCT-C.
Other names: c.599_608del, p.Glu200fs (NM_000244.4, NM_130800.3, NM_130801.3 and 3 more transcripts); c.584_593del, p.Glu195fs (NM_001370251.2, NM_001370260.2, NM_001370261.2 and 1 more transcripts); c.581_590delCTGAGGTCAC, p.Glu195Glyfs (NM_001407142.1, NM_001407143.1, NM_001407144.1 and 3 more transcripts); c.596_605delCTGAGGTCAC, p.Glu200Glyfs (NM_001407145.1, NM_001407150.1); c.549+35_549+44del (NM_001370263.2, NM_001370262.2); short protein forms E195fs, E200fs.
Identifiers: ClinVar variation 1977741 (VCV001977741.5), dbSNP rs2497220136, ClinGen allele CA2580084532.

ClinVar aggregate classification (germline): Pathogenic (1 of 4 stars; one submission).

Conditions:
Multiple endocrine neoplasia, type 1 (MEN1). Also called: Endocrine adenomatosis multiple; MEN 1; MEA I; MEN I; WERMER SYNDROME. Identifiers: Orphanet 652, MedGen C0025267, MeSH D018761, MONDO:0007540, OMIM 131100.

Submission:

Labcorp Genetics (formerly Invitae), Labcorp
Classification: Pathogenic for Multiple endocrine neoplasia, type 1. Last evaluated: 2021-12-14. Review status: criteria provided, single submitter. Criteria: Invitae Variant Classification Sherloc (09022015). Collection method: clinical testing. Allele origin: germline.
Comment: This sequence change creates a premature translational stop signal (p.Glu195Glyfs*26) in the MEN1 gene. It is expected to result in an absent or disrupted protein product. Loss-of-function variants in MEN1 are known to be pathogenic (PMID: 12112656, 17853334). This variant is not present in population databases (gnomAD no frequency). This variant has not been reported in the literature in individuals affected with MEN1-related conditions. For these reasons, this variant has been classified as Pathogenic.

Literature cited by the submitters: PubMed 12112656; PubMed 17853334.